The following is an entry in ClinVar:

ClinVar aggregate classification (germline): Uncertain significance (1 of 4 stars; one submission).

gnomAD v4.1: 1 of 1,586,226 alleles (0.000063%); highest among the groups gnomAD compares: Non-Finnish European, 0.000086%; no homozygotes.

Submission:

Labcorp Genetics (formerly Invitae), Labcorp
Classification: Uncertain significance. Last evaluated: 2024-05-06. Review status: criteria provided, single submitter. Criteria: Invitae Variant Classification Sherloc (09022015). Collection method: clinical testing. Allele origin: germline.
Comment: This sequence change replaces arginine, which is basic and polar, with lysine, which is basic and polar, at codon 160 of the TCF3 protein (p.Arg160Lys). This variant is not present in population databases (gnomAD no frequency). This variant has not been reported in the literature in individuals affected with TCF3-related conditions. Advanced modeling of protein sequence and biophysical properties (such as structural, functional, and spatial information, amino acid conservation, physicochemical variation, residue mobility, and thermodynamic stability) performed at Invitae indicates that this missense variant is expected to disrupt TCF3 protein function with a positive predictive value of 80%. In summary, the available evidence is currently insufficient to determine the role of this variant in disease. Therefore, it has been classified as a Variant of Uncertain Significance.

NM_003200.5(TCF3):c.479G>A (p.Arg160Lys)

Gene: TCF3 (transcription factor 3; minus strand). Cytogenetic location: 19p13.3.
Variant type: single nucleotide variant.
Coding change: c.479G>A on transcript NM_003200.5 (MANE Select); coding-DNA position 479, G replaced by A.
Protein change: p.Arg160Lys; replaces arginine 160 with lysine.
Molecular consequence: missense variant.
Genome position (GRCh38, 1-based): chr19:1,625,596, C>T on the plus strand (G>A on the coding strand, the complement: TCF3 is on the minus strand). VCF-style: chr19-1625596-C-T. GRCh37 (hg19) VCF-style: chr19-1625595-C-T.
Other names: c.479G>A, p.Arg160Lys (NM_001136139.4, NM_001351778.2, NM_001351779.2); short protein forms R160K.
Identifiers: ClinVar variation 3651019 (VCV003651019.2).